The following is an entry in ClinVar:

ClinVar aggregate classification (germline): Uncertain significance (1 of 4 stars; one submission).

Submission:

GeneDx
Classification: Uncertain significance. Last evaluated: 2023-02-05. Review status: criteria provided, single submitter. Criteria: GeneDx Variant Classification Process June 2021. Collection method: clinical testing. Allele origin: germline. Affected: yes.
Comment: Not observed at significant frequency in large population cohorts (gnomAD); In silico analysis supports that this missense variant has a deleterious effect on protein structure/function; Has not been previously published as pathogenic or benign to our knowledge

NM_152703.5(SAMD9L):c.1316A>T (p.Lys439Ile)

Gene: SAMD9L (sterile alpha motif domain containing 9 like; minus strand). Cytogenetic location: 7q21.2.
Variant type: single nucleotide variant.
Coding change: c.1316A>T on transcript NM_152703.5 (MANE Select); coding-DNA position 1316, A replaced by T.
Protein change: p.Lys439Ile; replaces lysine 439 with isoleucine.
Molecular consequence: missense variant.
Genome position (GRCh38, 1-based): chr7:93,134,656, T>A on the plus strand (A>T on the coding strand, the complement: SAMD9L is on the minus strand). VCF-style: chr7-93134656-T-A. GRCh37 (hg19) VCF-style: chr7-92763969-T-A.
Other names: c.1316A>T, p.Lys439Ile (NM_001350085.2, NM_001303496.3, NM_001303497.3 and 5 more transcripts); short protein forms K439I.
Identifiers: ClinVar variation 2574982 (VCV002574982.1), dbSNP rs2535429473, ClinGen allele CA368197497.